The following is an entry in ClinVar:

ClinVar aggregate classification (germline): Uncertain significance (1 of 4 stars; one submission).

Submission:

Dasa
Classification: Uncertain significance. Last evaluated: 2026-01-27. Review status: criteria provided, single submitter. Criteria: DASA Assertion Criteria. Collection method: clinical testing. Allele origin: germline.
Comment: NM_000212.3(ITGB3):c.668C>T (p.Thr223Ile) is a missense variant that results in the substitution of threonine with isoleucine. This variant is rare in population databases. Computational prediction algorithms are consistent with a deleterious effect. The currently available literature and clinical evidence are not sufficient to establish a definitive association between this variant and the reported condition. Therefore, this variant is classified as a variant of uncertain significance.

NM_000212.3(ITGB3):c.668C>T (p.Thr223Ile)

Gene: ITGB3 (integrin subunit beta 3; plus strand). Cytogenetic location: 17q21.32.
Variant type: single nucleotide variant.
Coding change: c.668C>T on transcript NM_000212.3 (MANE Select); coding-DNA position 668, C replaced by T.
Protein change: p.Thr223Ile; replaces threonine 223 with isoleucine.
Molecular consequence: missense variant.
Genome position (GRCh38, 1-based): chr17:47,286,313, C>T. VCF-style: chr17-47286313-C-T. GRCh37 (hg19) VCF-style: chr17-45363679-C-T.
Other names: short protein forms T223I.
Identifiers: ClinVar variation 4883384 (VCV004883384.2).